The following is an entry in ClinVar:

NM_017739.4(POMGNT1):c.1814G>C (p.Arg605Pro)

Genes: POMGNT1 (protein O-linked mannose N-acetylglucosaminyltransferase 1 (beta 1,2-); minus strand), TSPAN1 (tetraspanin 1; plus strand). Cytogenetic location: 1p34.1.
Variant type: single nucleotide variant.
Coding change: c.1814G>C on transcript NM_017739.4 (MANE Select); coding-DNA position 1814, G replaced by C.
Protein change: p.Arg605Pro; replaces arginine 605 with proline.
Molecular consequence: missense variant.
Genome position (GRCh38, 1-based): chr1:46,189,539, C>G on the plus strand (G>C on the coding strand, the complement: POMGNT1 is on the minus strand). VCF-style: chr1-46189539-C-G. GRCh37 (hg19) VCF-style: chr1-46655211-C-G.
Other names: NM_017739.4(POMGNT1):c.1814G>C; c.1814G>C, p.Arg605Pro (NM_001243766.2, NM_001410783.1); c.1748G>C, p.Arg583Pro (NM_001290129.3); c.1385G>C, p.Arg462Pro (NM_001290130.2); short protein forms R605P, R462P, R583P.
Identifiers: ClinVar variation 3998 (VCV000003998.26), dbSNP rs267606962, ClinGen allele CA116560.

ClinVar aggregate classification (germline): Pathogenic/Likely pathogenic. Review status: criteria provided, multiple submitters, no conflicts (2 of 4 stars). 11 submissions from 10 submitters: Pathogenic (6); Likely pathogenic (3). 2 of the submissions do not count toward it. Last evaluated 2026-06-09.

Conditions:
Muscular dystrophy-dystroglycanopathy (congenital with impaired intellectual development), type B, 3. Also called: MUSCULAR DYSTROPHY, CONGENITAL, POMGNT1-RELATED; Muscular dystrophy-dystroglycanopathy (congenital with intellectual disability), type B3. Identifiers: MedGen C3150412, MONDO:0013155, OMIM 613151.
Autosomal recessive limb-girdle muscular dystrophy type 2O. Also called: Limb-Girdle Muscular Dystrophy Type 3C; MUSCULAR DYSTROPHY-DYSTROGLYCANOPATHY, LIMB-GIRDLE, POMGNT1-RELATED; MUSCULAR DYSTROPHY-DYSTROGLYCANOPATHY (LIMB-GIRDLE), TYPE C, 3. Identifiers: Orphanet 206564, MedGen C3150417, MONDO:0013161, OMIM 613157.
Muscular dystrophy-dystroglycanopathy (congenital with brain and eye anomalies), type A3. Also called: WALKER-WARBURG SYNDROME OR MUSCLE-EYE-BRAIN DISEASE, POMGNT1-RELATED; Muscular dystrophy-dystroglycanopathy (congenital with brain and eye anomalies), type A, 3; Congenital muscular dystrophy-dystroglycanopathy with brain and eye anomalies, type A3. Identifiers: MedGen C3151519, MONDO:0009667, OMIM 253280.
Muscular dystrophy-dystroglycanopathy. Also called: Congenital muscular dystrophy due to dystroglycanopathy. Identifiers: Orphanet 370953, MedGen C5679911, MONDO:0018276.
Muscle eye brain disease (MEB). Also called: Santavuori congenital muscular dystrophy. Identifiers: Orphanet 588, Orphanet 899, MedGen C0457133, MONDO:0018939.

gnomAD v4.1: 7 of 1,612,846 alleles (0.00043%); highest among the groups gnomAD compares: South Asian, 0.0011%; no homozygotes.

Submissions (11):

Women's Health and Genetics/Laboratory Corporation of America, LabCorp
Classification: Pathogenic for Muscular dystrophy-dystroglycanopathy (congenital with brain and eye anomalies), type A3. Last evaluated: 2026-06-09. Review status: criteria provided, single submitter. Criteria: LabCorp Variant Classification Summary - May 2015. Collection method: clinical testing. Allele origin: germline.
Comment: Variant summary: POMGNT1 c.1814G>C (p.Arg605Pro) results in a non-conservative amino acid change in the encoded protein sequence. Algorithms developed to predict the effect of missense changes on protein structure and function all suggest that this variant is likely to be disruptive. The variant allele was found at a frequency of 8e-06 in 248792 control chromosomes. c.1814G>C has been observed in individual(s) affected with Muscular dystrophy (e.g. Demir_2009, Masri_2022). These data indicate that the variant is likely to be associated with disease. Additional variants affecting the same codon have been classified as likely pathogenic/pathogenic by our lab (c.1814G>A, p.Arg605His; c.1813C>A, p.Arg605Ser), supporting the critical relevance of codon 605 to POMGNT1 protein function. To our knowledge, no experimental evidence demonstrating an impact on protein function has been reported. The following publications have been ascertained in the context of this evaluation (PMID: 19679478, 35533453). ClinVar contains an entry for this variant (Variation ID: 3998). Based on the evidence outlined above, the variant was classified as pathogenic.

Natera, Inc.
Classification: Likely pathogenic for Muscle-eye-brain disease. Last evaluated: 2025-03-13. Review status: criteria provided, single submitter. Criteria: Natera Variant Classification Schema (03/2026). Collection method: clinical testing. Allele origin: germline.
Comment: The c.1814G>C variant in POMGNT1 is a missense variant predicted to cause substitution of arginine to proline at amino acid 605. This variant is rare in the general population with a frequency below the threshold expected for the associated phenotype(s). This variant has been observed in one or more individuals affected with the associated recessive disease, as either homozygous or compound heterozygous with a second variant (PMID: 19679478, 24731844, 35533453). A different variant at the same position has been determined to be Pathogenic or Likely Pathogenic. Computational prediction algorithms indicate this variant is likely to affect gene or protein function. Given the available evidence, this variant is classified as Likely Pathogenic.

Institute of Human Genetics, University of Leipzig Medical Center
Classification: Pathogenic for Muscular dystrophy-dystroglycanopathy (congenital with brain and eye anomalies), type A3. Last evaluated: 2023-06-28. Review status: criteria provided, single submitter. Criteria: ACMG Guidelines, 2015. Collection method: clinical testing. Allele origin: inherited. Inheritance: Autosomal recessive inheritance. Affected: yes.
Comment: Criteria applied: PM5_STR,PM1,PM3,PM2_SUP,PP3

Broad Center for Mendelian Genomics, Broad Institute of MIT and Harvard
Classification: Likely pathogenic for Muscular dystrophy-dystroglycanopathy. Last evaluated: 2023-01-24. Review status: criteria provided, single submitter. Criteria: ACMG Guidelines, 2015. Collection method: curation. Allele origin: germline. Inheritance: Autosomal recessive inheritance.
Comment: The p.Arg605Pro variant in POMGNT1 has been reported in three individuals with muscular dystrophy-dystroglycanopathy (PMID: 19299310, 19679478), and has been identified in 0.01% (1/9970) of Ashkenazi Jewish chromosomes by the Genome Aggregation Database (gnomAD; dbSNP ID: rs267606962). Although this variant has been seen in the general population in a heterozygous state, its frequency is low enough to be consistent with a recessive carrier frequency. This variant has also been reported in ClinVar (Variation ID#:3998) and has been interpreted as pathogenic by multiple labs. Of the three affected individuals, two were homozygotes, which increases the likelihood that the p.Arg605Pro variant is pathogenic (PMID: 19299310, 19679478). Computational prediction tools and conservation analyses suggest that this variant may impact the protein, though this information is not predictive enough to determine pathogenicity. One additional likely pathogenic variant, resulting in a different amino acid change at the same position, p.Arg605His, has been reported in association with disease in the literature, slightly supporting that a change at this position may not be tolerated (PMID: 33726816, 17154333/Variation ID: 56589). In summary, although additional studies are required to fully establish its clinical significance, this variant is likely pathogenic for autosomal recessive muscular dystrophy-dystroglycanopathy. ACMG/AMP Criteria applied: PM3, PM5_Supporting, PP3, PM2 (Richards 2015).

Labcorp Genetics (formerly Invitae), Labcorp
Classification: Pathogenic for Autosomal recessive limb-girdle muscular dystrophy type 2O; Muscular dystrophy-dystroglycanopathy (congenital with impaired intellectual development), type B, 3. Last evaluated: 2022-10-23. Review status: criteria provided, single submitter. Criteria: Invitae Variant Classification Sherloc (09022015). Collection method: clinical testing. Allele origin: germline.
Comment: This missense change has been observed in individuals with muscular dystrophy-dystroglycanopathy (PMID: 19299310, 19679478, 23689641, 24731844). This variant is present in population databases (rs267606962, gnomAD 0.01%). This sequence change replaces arginine, which is basic and polar, with proline, which is neutral and non-polar, at codon 605 of the POMGNT1 protein (p.Arg605Pro). ClinVar contains an entry for this variant (Variation ID: 3998). For these reasons, this variant has been classified as Pathogenic. This variant disrupts the p.Arg605 amino acid residue in POMGNT1. Other variant(s) that disrupt this residue have been determined to be pathogenic (PMID: 21361872, 24731844). This suggests that this residue is clinically significant, and that variants that disrupt this residue are likely to be disease-causing. Advanced modeling of protein sequence and biophysical properties (such as structural, functional, and spatial information, amino acid conservation, physicochemical variation, residue mobility, and thermodynamic stability) performed at Invitae indicates that this missense variant is expected to disrupt POMGNT1 protein function.

Institute of Human Genetics, University of Leipzig Medical Center
Classification: Pathogenic for Muscular dystrophy-dystroglycanopathy (congenital with impaired intellectual development), type B, 3. Last evaluated: 2022-09-08. Review status: criteria provided, single submitter. Criteria: ACMG Guidelines, 2015. Collection method: clinical testing. Allele origin: maternal. Affected: yes.
Comment: This variant was identified as homozygous._x000D_ Criteria applied: PM5_STR, PM1, PM3, PM2_SUP, PP3

3billion
Classification: Likely pathogenic for Muscular dystrophy-dystroglycanopathy (congenital with impaired intellectual development), type B, 3. Last evaluated: 2022-01-03. Review status: criteria provided, single submitter. Criteria: ACMG Guidelines, 2015. Collection method: clinical testing. Allele origin: germline. Affected: yes. Observed: 1 homozygote.
Comment: The variant observed at an extremely low frequency in the gnomAD v2.1.1 dataset (total allele frequency: 0.000008, PM2_M). In silico tool predictions suggest damaging effect of the variant on gene or gene product (REVEL: 0.903, PP3_P). The varianthas been previously reported multiple times as pathogenic or likely pathogenic (ClinVar: VCV000003998). Therefore, this variant is classified as likely pathogenic according to the recommendation of ACMG/AMP guideline.

Baylor Genetics
Classification: Pathogenic for Muscular dystrophy-dystroglycanopathy (congenital with brain and eye anomalies), type A3. Last evaluated: 2021-12-01. Review status: criteria provided, single submitter. Criteria: ACMG Guidelines, 2015. Collection method: clinical testing. Allele origin: unknown.

Institute of Medical Genetics and Applied Genomics, University Hospital Tübingen
Classification: Pathogenic. Last evaluated: 2020-10-23. Review status: criteria provided, single submitter. Criteria: ACMG Guidelines, 2015. Collection method: clinical testing. Allele origin: germline. Inheritance: Autosomal recessive inheritance. Affected: yes.

Counsyl
Classification: Likely pathogenic for Muscular dystrophy-dystroglycanopathy (congenital with brain and eye anomalies), type A3. Last evaluated: 2017-12-08. Review status: no assertion criteria provided. Collection method: clinical testing. Allele origin: unknown. Not counted in ClinVar's aggregate classification.

OMIM
Classification: Pathogenic for MUSCULAR DYSTROPHY-DYSTROGLYCANOPATHY (CONGENITAL WITH IMPAIRED INTELLECTUAL DEVELOPMENT), TYPE B, 3. Last evaluated: 2009-05-26. Review status: no assertion criteria provided. Collection method: literature only. Allele origin: germline. Not counted in ClinVar's aggregate classification.

Literature cited by the submitters: PubMed 35533453 (cited by Women's Health and Genetics/Laboratory Corporation of America, LabCorp and Natera, Inc.); PubMed 19679478 (cited by 4 submitters); PubMed 24731844 (cited by 3 submitters); PubMed 19299310 (cited by 3 submitters); PubMed 23689641 (cited by Labcorp Genetics (formerly Invitae), Labcorp and Counsyl); PubMed 21361872 (cited by Labcorp Genetics (formerly Invitae), Labcorp).